The following is an entry in ClinVar:

ClinVar aggregate classification (germline): Uncertain significance. Review status: criteria provided, single submitter (1 of 4 stars). 2 submissions from 2 submitters: Uncertain significance (1). 1 of the submissions does not count toward it. Last evaluated 2025-01-10.

Conditions:
PKD1-related disorder. Also called: PKD1-related condition.
Inborn genetic diseases. Identifiers: MedGen C0950123, MeSH D030342.

Allele frequency attached by ClinVar (database versions not stated): TOPMed below 0.00001; gnomAD 0.00001; 1000 Genomes Project 30x 0.00016; 1000 Genomes Project 0.00020.
gnomAD v4.1: 19 of 1,597,850 alleles (0.0012%); highest among the groups gnomAD compares: Admixed American, 0.005%; no homozygotes.

Submissions (2):

Ambry Genetics
Classification: Uncertain significance for Inborn genetic diseases. Last evaluated: 2025-01-10. Review status: criteria provided, single submitter. Criteria: Ambry Variant Classification Scheme 2023. Collection method: clinical testing. Allele origin: germline.

PreventionGenetics, part of Exact Sciences
Classification: Uncertain significance for PKD1-related condition. Last evaluated: 2023-11-22. Review status: no assertion criteria provided. Collection method: clinical testing. Allele origin: germline. Not counted in ClinVar's aggregate classification.
Comment: The PKD1 c.3145G>A variant is predicted to result in the amino acid substitution p.Val1049Met. To our knowledge, this variant has not been reported in the literature. This variant is reported in 0.0058% of alleles in individuals of Latino descent in gnomAD. At this time, the clinical significance of this variant is uncertain due to the absence of conclusive functional and genetic evidence.

NM_001009944.3(PKD1):c.3145G>A (p.Val1049Met)

Gene: PKD1 (polycystin 1, transient receptor potential channel interacting; minus strand). Cytogenetic location: 16p13.3.
Variant type: single nucleotide variant.
Coding change: c.3145G>A on transcript NM_001009944.3 (MANE Select); coding-DNA position 3145, G replaced by A.
Protein change: p.Val1049Met; replaces valine 1049 with methionine.
Molecular consequence: missense variant.
Genome position (GRCh38, 1-based): chr16:2,112,804, C>T on the plus strand (G>A on the coding strand, the complement: PKD1 is on the minus strand). VCF-style: chr16-2112804-C-T. GRCh37 (hg19) VCF-style: chr16-2162805-C-T.
Other names: c.3145G>A, p.Val1049Met (NM_000296.4); c.3145G>A (NM_000296.3); short protein forms V1049M.
Identifiers: ClinVar variation 3031782 (VCV003031782.3), dbSNP rs182938045, ClinGen allele CA7832932.
Genomic context (GRCh38, chr16:2,112,804, plus strand): 5'-CAAGAGCCTGGTGCCCACCCCAAACCGGCCCCCGAGTCACTCACAGGAAGGCCACCTCCA[C>T]GGCCGAGTCCACCAGCACGCCCGCCGTCAGTGCTAGCGTGGCATTGGGGGACAGCACGGC-3'
Protein context (NP_001009944.3, residues 1039-1059): LTAGVLVDSA[Val1049Met]EVAFLWTFGD